The following is an entry in ClinVar:

NM_172351.3(CD46):c.887C>T (p.Ala296Val)

Gene: CD46 (CD46 molecule; plus strand). Cytogenetic location: 1q32.2.
Variant type: single nucleotide variant.
Coding change: c.887C>T on transcript NM_172351.3 (MANE Select); coding-DNA position 887, C replaced by T.
Protein change: p.Ala296Val; replaces alanine 296 with valine.
Molecular consequence: missense variant. On other transcripts: intron variant (5).
Genome position (GRCh38, 1-based): chr1:207,767,809, C>T. VCF-style: chr1-207767809-C-T. GRCh37 (hg19) VCF-style: chr1-207941154-C-T.
Other names: p.Ala311Val; c.932C>T, p.Ala311Val (LRG_155t1, NM_002389.4, NM_172359.3); c.887C>T, p.Ala296Val (NM_153826.4, NM_172355.3, NM_172356.3 and 1 more transcripts); c.856+614C>T (NM_172352.3, NM_172353.3, NM_172350.3 and 2 more transcripts); short protein forms A311V, A296V.
Identifiers: ClinVar variation 294972 (VCV000294972.12), dbSNP rs753859532, ClinGen allele CA1371799.

ClinVar aggregate classification (germline): Uncertain significance. Review status: criteria provided, multiple submitters, no conflicts (2 of 4 stars). 4 submissions from 4 submitters: Uncertain significance (4). Last evaluated 2025-12-01.

Conditions:
Atypical hemolytic-uremic syndrome. Identifiers: Orphanet 2134, MedGen C2931788, MONDO:0016244.
Atypical hemolytic-uremic syndrome with MCP/CD46 anomaly. Also called: HEMOLYTIC UREMIC SYNDROME, ATYPICAL, SUSCEPTIBILITY TO, 2; AHUS, SUSCEPTIBILITY TO, 2. Identifiers: Orphanet 2134, MedGen C2752040, MONDO:0013040, OMIM 612922.

Allele frequency attached by ClinVar (database versions not stated): ExAC 0.00005; gnomAD exomes 0.00006 and 0.00019; TOPMed 0.00007; gnomAD 0.00008 and 0.00009.
gnomAD v4.1: 282 of 1,610,846 alleles (0.018%); highest among the groups gnomAD compares: East Asian, 0.2%; no homozygotes.

Submissions (4):

Labcorp Genetics (formerly Invitae), Labcorp
Classification: Uncertain significance. Last evaluated: 2025-12-01. Review status: criteria provided, single submitter. Criteria: Invitae Variant Classification Sherloc (09022015). Collection method: clinical testing. Allele origin: germline.
Comment: This sequence change replaces alanine, which is neutral and non-polar, with valine, which is neutral and non-polar, at codon 311 of the CD46 protein (p.Ala311Val). This variant is present in population databases (rs753859532, gnomAD 0.04%). This missense change has been observed in individual(s) with mild hemolysis, membranoproliferative glomerulonephritis, and/or atypical hemolytic uremic syndrome (PMID: 25951460, 27399110, 28387984, 29566171). ClinVar contains an entry for this variant (Variation ID: 294972). An algorithm developed to predict the effect of missense changes on protein structure and function outputs the following: PolyPhen-2: "Benign". The valine amino acid residue is found in multiple mammalian species, which suggests that this missense change does not adversely affect protein function. Algorithms developed to predict the effect of sequence changes on RNA splicing suggest that this variant may disrupt the consensus splice site. In summary, the available evidence is currently insufficient to determine the role of this variant in disease. Therefore, it has been classified as a Variant of Uncertain Significance.

Genomenon, Inc
Classification: Uncertain significance for Atypical hemolytic-uremic syndrome. Last evaluated: 2025-10-02. Review status: criteria provided, single submitter. Criteria: Genomenon Sequence Variant Interpretation Standards. Collection method: curation. Allele origin: germline. Affected: yes.
Comment: CD46 p.Ala311Val (c.932C>T) is a missense variant that changes the amino acid at residue 311 from Alanine to Valine. This variant has been observed in at least one proband affected with atypical hemolytic-uremic syndrome (PMID:28387984;27399110;25951460). It is absent or not present at a significant frequency in gnomAD. In silico models agree that this variant is not damaging. In conclusion, we classify CD46 p.Ala311Val (c.932C>T) as a variant of uncertain significance.

Mayo Clinic Laboratories, Mayo Clinic
Classification: Uncertain significance. Last evaluated: 2022-04-06. Review status: criteria provided, single submitter. Criteria: ACMG Guidelines, 2015. Collection method: clinical testing. Allele origin: germline. Observed: 1 variant allele.
Comment: BP4

Illumina Laboratory Services, Illumina
Classification: Uncertain significance for Atypical hemolytic-uremic syndrome with MCP/CD46 anomaly. Last evaluated: 2018-01-13. Review status: criteria provided, single submitter. Criteria: ICSL Variant Classification Criteria 13 December 2019. Collection method: clinical testing. Allele origin: germline.

Literature cited by the submitters: PubMed 25951460 (cited by Labcorp Genetics (formerly Invitae), Labcorp and Genomenon, Inc); PubMed 27399110 (cited by Labcorp Genetics (formerly Invitae), Labcorp and Genomenon, Inc); PubMed 28387984 (cited by Labcorp Genetics (formerly Invitae), Labcorp and Genomenon, Inc); PubMed 29566171 (cited by Labcorp Genetics (formerly Invitae), Labcorp).